The following is an entry in ClinVar:

ClinVar aggregate classification (germline): Benign. Review status: criteria provided, multiple submitters, no conflicts (2 of 4 stars). 2 submissions from 2 submitters: Benign (2). Last evaluated 2024-07-15.

Allele frequency attached by ClinVar (database versions not stated): gnomAD 0.28052 and 0.28421; TOPMed 0.28711; 1000 Genomes Project 30x 0.33838; 1000 Genomes Project 0.34165.
gnomAD v4.1: 342,852 of 1,277,108 alleles (27%); highest among the groups gnomAD compares: East Asian, 40%; 47,637 homozygotes.

Submissions (2):

Unidad de Genómica Garrahan, Hospital de Pediatría Garrahan
Classification: Benign. Last evaluated: 2024-07-15. Review status: criteria provided, single submitter. Criteria: ACMG Guidelines, 2015. Collection method: clinical testing. Allele origin: germline. Affected: no. Observed: 23 variant alleles.
Comment: This variant is classified as Benign based on local population frequency. This variant was detected in 25% of patients studied in a panel designed for Epileptic and Developmental Encephalopathy and Progressive Myoclonus Epilepsy. Number of patients: 23. Only high quality variants are reported.

GeneDx
Classification: Benign. Last evaluated: 2018-06-14. Review status: criteria provided, single submitter. Criteria: GeneDx Variant Classification (06012015). Collection method: clinical testing. Allele origin: germline. Affected: yes.
Comment: This variant is considered likely benign or benign based on one or more of the following criteria: it is a conservative change, it occurs at a poorly conserved position in the protein, it is predicted to be benign by multiple in silico algorithms, and/or has population frequency not consistent with disease.

NM_004408.4(DNM1):c.2077-138T>C

Gene: DNM1 (dynamin 1; plus strand). Cytogenetic location: 9q34.11.
Variant type: single nucleotide variant.
Coding change: c.2077-138T>C on transcript NM_004408.4 (MANE Select); 138 bases into the intron before coding-DNA position 2077, T replaced by C.
Molecular consequence: intron variant.
Genome position (GRCh38, 1-based): chr9:128,249,977, T>C. VCF-style: chr9-128249977-T-C. GRCh37 (hg19) VCF-style: chr9-131012256-T-C.
Other names: c.2077-138T>C (NM_001288738.2, NM_001288737.2, NM_001288739.2 and 1 more transcripts).
Identifiers: ClinVar variation 679307 (VCV000679307.3), dbSNP rs12343000, ClinGen allele CA13091886.
Genomic context (GRCh38, chr9:128,249,977, plus strand): 5'-GATGACTTTTCCTGTGGACCTCAGTGTCCTCATCTGAGTGAGAAAAGCGCGGTGGGGAGG[T>C]GAATCTTCCAGTCTACGCAGTGTAGGAGCCGCGTCTGAAAAGCCACACCAGCTCACAGTC-3'